The following is an entry in ClinVar:

NM_181303.2(NLGN3):c.1481A>G (p.His494Arg)

Gene: NLGN3 (neuroligin 3; plus strand). Cytogenetic location: Xq13.1.
Variant type: single nucleotide variant.
Coding change: c.1481A>G on transcript NM_181303.2 (MANE Select); coding-DNA position 1481, A replaced by G.
Protein change: p.His494Arg; replaces histidine 494 with arginine.
Molecular consequence: missense variant.
Genome position (GRCh38, 1-based): chrX:71,167,578, A>G. VCF-style: chrX-71167578-A-G. GRCh37 (hg19) VCF-style: chrX-70387428-A-G.
Other names: c.1361A>G, p.His454Arg (NM_001166660.2); c.1070A>G, p.His357Arg (NM_001321276.2); c.1421A>G, p.His474Arg (NM_018977.4); short protein forms H357R, H454R, H474R, H494R.
Identifiers: ClinVar variation 3893521 (VCV003893521.1).

ClinVar aggregate classification (germline): Uncertain significance (1 of 4 stars; one submission).

Submission:

GeneDx
Classification: Uncertain significance. Last evaluated: 2024-10-25. Review status: criteria provided, single submitter. Criteria: GeneDx Variant Classification Process June 2021. Collection method: clinical testing. Allele origin: germline. Affected: yes.
Comment: Not observed at significant frequency in large population cohorts (gnomAD); In silico analysis supports that this missense variant has a deleterious effect on protein structure/function; Has not been previously published as pathogenic or benign to our knowledge